The following is an entry in ClinVar:

ClinVar aggregate classification (germline): Uncertain significance (1 of 4 stars; one submission).

Conditions:
Inborn genetic diseases. Identifiers: MedGen C0950123, MeSH D030342.

Submission:

Ambry Genetics
Classification: Uncertain significance for Inborn genetic diseases. Last evaluated: 2024-12-15. Review status: criteria provided, single submitter. Criteria: Ambry Variant Classification Scheme 2023. Collection method: clinical testing. Allele origin: germline.
Comment: The p.T1304K variant (also known as c.3911C>A), located in coding exon 27 of the ANKRD26 gene, results from a C to A substitution at nucleotide position 3911. The threonine at codon 1304 is replaced by lysine, an amino acid with similar properties. This amino acid position is conserved. In addition, this alteration is predicted to be tolerated by in silico analysis. Based on the available evidence, the clinical significance of this variant remains unclear.

NM_014915.3(ANKRD26):c.3911C>A (p.Thr1304Lys)

Gene: ANKRD26 (ankyrin repeat domain containing 26; minus strand). Cytogenetic location: 10p12.1.
Variant type: single nucleotide variant.
Coding change: c.3911C>A on transcript NM_014915.3 (MANE Select); coding-DNA position 3911, C replaced by A.
Protein change: p.Thr1304Lys; replaces threonine 1304 with lysine.
Molecular consequence: missense variant.
Genome position (GRCh38, 1-based): chr10:27,028,913, G>T on the plus strand (C>A on the coding strand, the complement: ANKRD26 is on the minus strand). VCF-style: chr10-27028913-G-T. GRCh37 (hg19) VCF-style: chr10-27317842-G-T.
Other names: c.3908C>A, p.Thr1303Lys (NM_001256053.2); short protein forms T1303K, T1304K.
Identifiers: ClinVar variation 3869283 (VCV003869283.1).
Genomic context (GRCh38, chr10:27,028,913, plus strand): 5'-AAATTTGCATTTAACAGGTTTTTCTGAAGCTCCTCAATTTTGTCCATTTGCTTTTTGACT[G>T]TAACTTTTAACTTGGCATTATCTTTTTCAAGCCTGAAATGTATATTTTAAAATAATTATT-3'
Protein context (NP_055730.2, residues 1294-1314): LEKDNAKLKV[Thr1304Lys]VKKQMDKIEE